The following is an entry in ClinVar:

ClinVar aggregate classification (germline): Uncertain significance (1 of 4 stars; one submission).

Conditions:
Familial hypocalciuric hypercalcemia (FHH). Also called: Familial benign hypercalcemia. Identifiers: Orphanet 405, MedGen C1809471, MONDO:0018458.
Autosomal dominant hypocalcemia 1 (HYPOC1). Also called: HYPOCALCEMIA, FAMILIAL. Identifiers: MedGen C3715128, MONDO:0011013, OMIM 601198.

Submission:

Labcorp Genetics (formerly Invitae), Labcorp
Classification: Uncertain significance for Familial hypocalciuric hypercalcemia; Autosomal dominant hypocalcemia 1. Last evaluated: 2019-10-31. Review status: criteria provided, single submitter. Criteria: Invitae Variant Classification Sherloc (09022015). Collection method: clinical testing. Allele origin: germline.
Comment: In summary, the available evidence is currently insufficient to determine the role of this variant in disease. Therefore, it has been classified as a Variant of Uncertain Significance. This sequence change replaces isoleucine with valine at codon 822 of the CASR protein (p.Ile822Val). The isoleucine residue is highly conserved and there is a small physicochemical difference between isoleucine and valine. This variant is not present in population databases (ExAC no frequency). This variant has not been reported in the literature in individuals with CASR-related conditions. Algorithms developed to predict the effect of missense changes on protein structure and function are either unavailable or do not agree on the potential impact of this missense change (SIFT: "Deleterious"; PolyPhen-2: "Probably Damaging"; Align-GVGD: "Class C0").

NM_000388.4(CASR):c.2464A>G (p.Ile822Val)

Gene: CASR (calcium sensing receptor; plus strand). Cytogenetic location: 3q21.1.
Variant type: single nucleotide variant.
Coding change: c.2464A>G on transcript NM_000388.4 (MANE Select); coding-DNA position 2464, A replaced by G.
Protein change: p.Ile822Val; replaces isoleucine 822 with valine.
Molecular consequence: missense variant.
Genome position (GRCh38, 1-based): chr3:122,284,418, A>G. VCF-style: chr3-122284418-A-G. GRCh37 (hg19) VCF-style: chr3-122003265-A-G.
Other names: c.2494A>G, p.Ile832Val (NM_001178065.2); short protein forms I822V, I832V.
Identifiers: ClinVar variation 965187 (VCV000965187.10), dbSNP rs2074939118, ClinGen allele CA354159863.